The following is an entry in ClinVar:

ClinVar aggregate classification (germline): Uncertain significance (1 of 4 stars; one submission).

Conditions:
ALG6-congenital disorder of glycosylation 1C (CDG1C). Also called: CARBOHYDRATE-DEFICIENT GLYCOPROTEIN SYNDROME, TYPE I, WITH DEFICIENT GLYCOSYLATION OF DOLICHOL-LINKED OLIGOSACCHARIDE; CARBOHYDRATE-DEFICIENT GLYCOPROTEIN SYNDROME, TYPE V; Congenital disorder of glycosylation type 1C; Congenital disorder of glycosylation, type Ic; CDG Ic. Identifiers: Orphanet 79320, MedGen C2930997, MONDO:0011291, OMIM 603147.

Submission:

Labcorp Genetics (formerly Invitae), Labcorp
Classification: Uncertain significance for ALG6-congenital disorder of glycosylation 1C. Last evaluated: 2022-02-20. Review status: criteria provided, single submitter. Criteria: Invitae Variant Classification Sherloc (09022015). Collection method: clinical testing. Allele origin: germline.
Comment: In summary, the available evidence is currently insufficient to determine the role of this variant in disease. Therefore, it has been classified as a Variant of Uncertain Significance. Algorithms developed to predict the effect of missense changes on protein structure and function output the following: SIFT: "Tolerated"; PolyPhen-2: "Benign"; Align-GVGD: "Class C0". The leucine amino acid residue is found in multiple mammalian species, which suggests that this missense change does not adversely affect protein function. This variant has not been reported in the literature in individuals affected with ALG6-related conditions. This variant is not present in population databases (gnomAD no frequency). This sequence change replaces phenylalanine, which is neutral and non-polar, with leucine, which is neutral and non-polar, at codon 398 of the ALG6 protein (p.Phe398Leu).

NM_013339.4(ALG6):c.1192T>C (p.Phe398Leu)

Gene: ALG6 (ALG6 alpha-1,3-glucosyltransferase; plus strand). Cytogenetic location: 1p31.3.
Variant type: single nucleotide variant.
Coding change: c.1192T>C on transcript NM_013339.4 (MANE Select); coding-DNA position 1192, T replaced by C.
Protein change: p.Phe398Leu; replaces phenylalanine 398 with leucine.
Molecular consequence: missense variant.
Genome position (GRCh38, 1-based): chr1:63,428,992, T>C. VCF-style: chr1-63428992-T-C. GRCh37 (hg19) VCF-style: chr1-63894663-T-C.
Other names: short protein forms F398L.
Identifiers: ClinVar variation 2100702 (VCV002100702.4), dbSNP rs2523794231, ClinGen allele CA340640047.